The following is an entry in ClinVar:

NM_052813.5(CARD9):c.53G>A (p.Arg18Gln)

Gene: CARD9 (caspase recruitment domain family member 9; minus strand). Cytogenetic location: 9q34.3.
Variant type: single nucleotide variant.
Coding change: c.53G>A on transcript NM_052813.5 (MANE Select); coding-DNA position 53, G replaced by A.
Protein change: p.Arg18Gln; replaces arginine 18 with glutamine.
Molecular consequence: missense variant.
Genome position (GRCh38, 1-based): chr9:136,372,026, C>T on the plus strand (G>A on the coding strand, the complement: CARD9 is on the minus strand). VCF-style: chr9-136372026-C-T. GRCh37 (hg19) VCF-style: chr9-139266478-C-T.
Other names: c.53G>A, p.Arg18Gln (NM_052814.4); short protein forms R18Q.
Identifiers: ClinVar variation 4856868 (VCV004856868.2).

ClinVar aggregate classification (germline): Uncertain significance (1 of 4 stars; one submission).

gnomAD v4.1: 4 of 1,612,822 alleles (0.00025%); highest among the groups gnomAD compares: Non-Finnish European, 0.00034%; no homozygotes.

Submission:

Dasa
Classification: Uncertain significance. Last evaluated: 2025-09-08. Review status: criteria provided, single submitter. Criteria: DASA Assertion Criteria. Collection method: clinical testing. Allele origin: germline.
Comment: NM_052813.5(CARD9):c.53G>A (p.Arg18Gln) is a missense variant that results in the substitution of arginine with glutamine. This variant is rare in population databases. The currently available literature and clinical evidence are not sufficient to establish a definitive association between this variant and the reported condition. Therefore, this variant is classified as a variant of uncertain significance.